The following is an entry in ClinVar:

NM_024854.5(PYROXD1):c.993+6G>A

Gene: PYROXD1 (pyridine nucleotide-disulphide oxidoreductase domain 1; plus strand). Cytogenetic location: 12p12.1.
Variant type: single nucleotide variant.
Coding change: c.993+6G>A on transcript NM_024854.5 (MANE Select); 6 bases into the intron after coding-DNA position 993, G replaced by A.
Molecular consequence: intron variant.
Genome position (GRCh38, 1-based): chr12:21,462,126, G>A. VCF-style: chr12-21462126-G-A. GRCh37 (hg19) VCF-style: chr12-21615060-G-A.
Other names: c.216+6G>A (NM_001350913.2); c.780+6G>A (NM_001350912.2).
Identifiers: ClinVar variation 1446780 (VCV001446780.6), dbSNP rs2137282018, ClinGen allele CA2573147883.

ClinVar aggregate classification (germline): Uncertain significance (1 of 4 stars; one submission).

Submission:

Labcorp Genetics (formerly Invitae), Labcorp
Classification: Uncertain significance. Last evaluated: 2021-03-28. Review status: criteria provided, single submitter. Criteria: Invitae Variant Classification Sherloc (09022015). Collection method: clinical testing. Allele origin: germline.
Comment: This sequence change falls in intron 9 of the PYROXD1 gene. It does not directly change the encoded amino acid sequence of the PYROXD1 protein. It affects a nucleotide within the consensus splice site of the intron. This variant is not present in population databases (ExAC no frequency). This variant has not been reported in the literature in individuals with PYROXD1-related conditions. Nucleotide substitutions within the consensus splice site are a relatively common cause of aberrant splicing (PMID: 17576681, 9536098). Algorithms developed to predict the effect of sequence changes on RNA splicing suggest that this variant is not likely to affect RNA splicing, but this prediction has not been confirmed by published transcriptional studies. In summary, the available evidence is currently insufficient to determine the role of this variant in disease. Therefore, it has been classified as a Variant of Uncertain Significance.

Literature cited by the submitters: PubMed 17576681; PubMed 9536098.